The following is an entry in ClinVar:

NM_001271.4(CHD2):c.4212A>T (p.Gln1404His)

Gene: CHD2 (chromodomain helicase DNA binding protein 2; plus strand). Cytogenetic location: 15q26.1.
Variant type: single nucleotide variant.
Coding change: c.4212A>T on transcript NM_001271.4 (MANE Select); coding-DNA position 4212, A replaced by T.
Protein change: p.Gln1404His; replaces glutamine 1404 with histidine.
Molecular consequence: missense variant.
Genome position (GRCh38, 1-based): chr15:93,002,251, A>T. VCF-style: chr15-93002251-A-T. GRCh37 (hg19) VCF-style: chr15-93545481-A-T.
Other names: short protein forms Q1404H.
Identifiers: ClinVar variation 2905047 (VCV002905047.3), dbSNP rs202074164, ClinGen allele CA393901096.

ClinVar aggregate classification (germline): Uncertain significance (1 of 4 stars; one submission).

Conditions:
Developmental and epileptic encephalopathy 94 (DEE94). Also called: CHD2-Related Neurodevelopmental Disorders; Epileptic encephalopathy, childhood-onset. Identifiers: Orphanet 1942, Orphanet 2382, MedGen C3809278, MONDO:0014150, OMIM 615369.

Submission:

Labcorp Genetics (formerly Invitae), Labcorp
Classification: Uncertain significance for Developmental and epileptic encephalopathy 94. Last evaluated: 2025-08-15. Review status: criteria provided, single submitter. Criteria: Invitae Variant Classification Sherloc (09022015). Collection method: clinical testing. Allele origin: germline.
Comment: This sequence change replaces glutamine, which is neutral and polar, with histidine, which is basic and polar, at codon 1404 of the CHD2 protein (p.Gln1404His). This variant is not present in population databases (gnomAD no frequency). This variant has not been reported in the literature in individuals affected with CHD2-related conditions. ClinVar contains an entry for this variant (Variation ID: 2905047). Invitae Evidence Modeling of protein sequence and biophysical properties (such as structural, functional, and spatial information, amino acid conservation, physicochemical variation, residue mobility, and thermodynamic stability) indicates that this missense variant is not expected to disrupt CHD2 protein function with a negative predictive value of 95%. In summary, the available evidence is currently insufficient to determine the role of this variant in disease. Therefore, it has been classified as a Variant of Uncertain Significance.